The following is an entry in ClinVar:

NM_001134673.4(NFIA):c.198G>C (p.Glu66Asp)

Gene: NFIA (nuclear factor I A; plus strand). Cytogenetic location: 1p31.3.
Variant type: single nucleotide variant.
Coding change: c.198G>C on transcript NM_001134673.4 (MANE Select); coding-DNA position 198, G replaced by C.
Protein change: p.Glu66Asp; replaces glutamic acid 66 with aspartic acid.
Molecular consequence: missense variant.
Genome position (GRCh38, 1-based): chr1:61,088,319, G>C. VCF-style: chr1-61088319-G-C. GRCh37 (hg19) VCF-style: chr1-61553991-G-C.
Other names: c.174G>C, p.Glu58Asp (NM_001145511.2); c.333G>C, p.Glu111Asp (NM_001145512.2); c.198G>C, p.Glu66Asp (NM_005595.5); short protein forms E111D, E58D, E66D.
Identifiers: ClinVar variation 2572785 (VCV002572785.1), dbSNP rs1557555713, ClinGen allele CA340586508.

ClinVar aggregate classification (germline): Uncertain significance (1 of 4 stars; one submission).

Submission:

GeneDx
Classification: Uncertain significance. Last evaluated: 2023-01-11. Review status: criteria provided, single submitter. Criteria: GeneDx Variant Classification Process June 2021. Collection method: clinical testing. Allele origin: germline. Affected: yes.
Comment: Not observed at significant frequency in large population cohorts (gnomAD); In silico analysis supports that this missense variant has a deleterious effect on protein structure/function; Has not been previously published as pathogenic or benign to our knowledge